The following is an entry in ClinVar:

NM_005359.6(SMAD4):c.1219G>C (p.Val407Leu)

Gene: SMAD4 (SMAD family member 4; plus strand). Cytogenetic location: 18q21.2.
Variant type: single nucleotide variant.
Coding change: c.1219G>C on transcript NM_005359.6 (MANE Select); coding-DNA position 1219, G replaced by C.
Protein change: p.Val407Leu; replaces valine 407 with leucine.
Molecular consequence: missense variant.
Genome position (GRCh38, 1-based): chr18:51,067,098, G>C. VCF-style: chr18-51067098-G-C. GRCh37 (hg19) VCF-style: chr18-48593468-G-C.
Other names: short protein forms V407L.
Identifiers: ClinVar variation 460530 (VCV000460530.37), dbSNP rs147621330, ClinGen allele CA8966026.

ClinVar aggregate classification (germline): Conflicting classifications of pathogenicity. Review status: criteria provided, conflicting classifications (1 of 4 stars). 10 submissions from 10 submitters: Uncertain significance (7); Likely benign (2). 1 of the submissions does not count toward it. Last evaluated 2025-11-19.

Conditions:
Juvenile polyposis syndrome (JPS). Identifiers: Orphanet 2929, MedGen C0345893, MONDO:0017380, OMIM 174900.
Myhre syndrome (MYHRS). Also called: LARYNGOTRACHEAL STENOSIS, ARTHROPATHY, PROGNATHISM, AND SHORT STATURE; LAPS SYNDROME. Identifiers: Orphanet 2588, MedGen C0796081, MONDO:0007688, OMIM 139210.
Generalized juvenile polyposis/juvenile polyposis coli. Also called: Juvenile polyposis coli. Identifiers: Orphanet 329971, MedGen C1868081, MONDO:0008276.
Juvenile polyposis/hereditary hemorrhagic telangiectasia syndrome (JPHT). Also called: POLYPOSIS, GENERALIZED JUVENILE, WITH PULMONARY ARTERIOVENOUS MALFORMATION; TELANGIECTASIA, HEREDITARY HEMORRHAGIC, WITH JUVENILE POLYPOSIS COLI; Juvenile Polyposis Syndrome / Hereditary Hemorrhagic Telangiectasia (JPS/HHT); JP/HHT SYNDROME; JUVENILE POLYPOSIS WITH HEREDITARY HEMORRHAGIC TELANGIECTASIA. Identifiers: Orphanet 2929, MedGen C1832942, MONDO:0008278, OMIM 175050.
Carcinoma of pancreas. Also called: PANCREATIC ACINAR CARCINOMA; PANCREATIC CARCINOMA; Pancreatic cancer, somatic; Pancreatic carcinoma, somatic; Exocrine pancreatic carcinoma. Identifiers: Orphanet 1333, Orphanet 217074, MedGen C0235974, MONDO:0005192. Disease mechanism: loss of function.
Hereditary cancer-predisposing syndrome. Also called: Neoplastic Syndromes, Hereditary; Hereditary Cancer Syndrome; Hereditary neoplastic syndrome; Tumor predisposition. Identifiers: Orphanet 140162, MedGen C0027672, MeSH D009386, MONDO:0015356.
Familial thoracic aortic aneurysm and aortic dissection (TAAD). Also called: Thoracic aortic aneurysms and dissections. Identifiers: Orphanet 91387, MedGen C4707243, MONDO:0019625.

Allele frequency attached by ClinVar (database versions not stated): gnomAD 0.00001 and 0.00002; gnomAD exomes 0.00001; ExAC 0.00002; TOPMed 0.00003; ESP Exome Variant Server 0.00008.
gnomAD v4.1: 38 of 1,612,044 alleles (0.0024%); highest among the groups gnomAD compares: Non-Finnish European, 0.0031%; no homozygotes.

Submissions (10):

Color Diagnostics, LLC DBA Color Health
Classification: Uncertain significance for Hereditary cancer-predisposing syndrome. Last evaluated: 2025-11-19. Review status: criteria provided, single submitter. Criteria: ACMG Guidelines, 2015. Collection method: clinical testing. Allele origin: germline.
Comment: This missense variant replaces valine with leucine at codon 407 of the SMAD4 protein. Computational prediction suggests that this variant may have deleterious impact on protein structure and function. To our knowledge, functional studies have not been reported for this variant. This variant has not been reported in individuals affected with SMAD4-related disorders in the literature. This variant has been identified in 38/1612044 chromosomes in the general population by the Genome Aggregation Database (gnomAD). The available evidence is insufficient to determine the role of this variant in disease conclusively. Therefore, this variant is classified as a Variant of Uncertain Significance.

Labcorp Genetics (formerly Invitae), Labcorp
Classification: Likely benign for Juvenile polyposis syndrome. Last evaluated: 2025-11-09. Review status: criteria provided, single submitter. Criteria: Invitae Variant Classification Sherloc (09022015). Collection method: clinical testing. Allele origin: germline.

GeneDx
Classification: Uncertain significance. Last evaluated: 2024-09-16. Review status: criteria provided, single submitter. Criteria: GeneDx Variant Classification Process June 2021. Collection method: clinical testing. Allele origin: germline. Affected: yes.
Comment: Not observed at significant frequency in large population cohorts (gnomAD); In silico analysis supports that this missense variant has a deleterious effect on protein structure/function; Observed in an individual with prostate cancer (PMID: 34326862); This variant is associated with the following publications: (PMID: 23718828, 34326862, 17873119, 18823382, 15235019)

All of Us Research Program, National Institutes of Health
Classification: Uncertain significance for Juvenile polyposis/hereditary hemorrhagic telangiectasia syndrome. Last evaluated: 2024-04-16. Review status: criteria provided, single submitter. Criteria: ACMG Guidelines, 2015. Collection method: clinical testing. Allele origin: germline. Inheritance: Autosomal dominant inheritance. Observed: 9 variant alleles, 9 heterozygotes.
Comment: This missense variant replaces valine with leucine at codon 407 of the SMAD4 protein. Computational prediction suggests that this variant may have deleterious impact on protein structure and function (internally defined REVEL score threshold >= 0.7, PMID: 27666373). To our knowledge, functional studies have not been reported for this variant. This variant has not been reported in individuals affected with SMAD4-related disorders in the literature. This variant has been identified in 4/282846 chromosomes in the general population by the Genome Aggregation Database (gnomAD). The available evidence is insufficient to determine the role of this variant in disease conclusively. Therefore, this variant is classified as a Variant of Uncertain Significance.

This study involves interpretation of variants in research participants for the purpose of population health screening. Participant phenotype was not available at the time of variant classification. Additional details can be found in publication PMID: 35346344, PMCID: PMC8962531

Baylor Genetics
Classification: Uncertain significance for Juvenile polyposis/hereditary hemorrhagic telangiectasia syndrome. Last evaluated: 2024-03-05. Review status: criteria provided, single submitter. Criteria: ACMG Guidelines, 2015. Collection method: clinical testing. Allele origin: unknown.

Ambry Genetics
Classification: Likely benign for Hereditary cancer-predisposing syndrome; Familial thoracic aortic aneurysm and aortic dissection. Last evaluated: 2022-06-01. Review status: criteria provided, single submitter. Criteria: Ambry Variant Classification Scheme 2023. Collection method: clinical testing. Allele origin: germline.

AiLife Diagnostics
Classification: Uncertain significance. Last evaluated: 2021-12-21. Review status: criteria provided, single submitter. Criteria: ACMG Guidelines, 2015. Collection method: clinical testing. Allele origin: germline. Affected: yes. Observed: 1 variant allele.

ARUP Laboratories, Molecular Genetics and Genomics, ARUP Laboratories
Classification: Uncertain significance. Last evaluated: 2020-03-13. Review status: criteria provided, single submitter. Criteria: ARUP Molecular Germline Variant Investigation Process. Collection method: clinical testing. Allele origin: germline.
Comment: The SMAD4 c.1219G>C; p.Val407Leu variant (rs147621330), to our knowledge, is not reported in the medical literature but is reported in ClinVar (Variation ID: 460530). This variant is found on only four chromosomes (4/282846 alleles) in the Genome Aggregation Database, indicating it is not a common polymorphism. The valine at codon 407 is highly conserved, and computational analyses (SIFT, PolyPhen-2) predict that this variant is deleterious. However, due to limited information, the clinical significance of the p.Val407Leu variant is uncertain at this time.

Fulgent Genetics
Classification: Uncertain significance for Myhre syndrome; Juvenile polyposis syndrome; Juvenile polyposis/hereditary hemorrhagic telangiectasia syndrome; Familial pancreatic carcinoma. Last evaluated: 2018-10-31. Review status: criteria provided, single submitter. Criteria: ACMG Guidelines, 2015. Collection method: clinical testing. Allele origin: unknown.

True Health Diagnostics
Classification: Uncertain significance for Hereditary cancer-predisposing syndrome. Last evaluated: 2017-08-22. Review status: no assertion criteria provided. Collection method: clinical testing. Allele origin: germline. Not counted in ClinVar's aggregate classification.